The following is an entry in ClinVar:

NM_023067.4(FOXL2):c.9del (p.Ser4fs)

Gene: FOXL2 (forkhead box L2; minus strand). Cytogenetic location: 3q22.3.
Variant type: Deletion.
Coding change: c.9del on transcript NM_023067.4 (MANE Select); coding-DNA position 9, one base deleted (C; older notation c.9delC).
Protein change: p.Ser4fs; shifts the reading frame from serine 4.
Molecular consequence: frameshift variant.
Genome position (GRCh38, 1-based): chr3:138,946,714, G deleted on the plus strand (C on the coding strand, the reverse complement: FOXL2 is on the minus strand); the first of 2 consecutive G bases (chr3:138,946,714-138,946,715); deleting either gives the same sequence. VCF-style (leftmost placement, unchanged base first): chr3-138946713-TG-T. GRCh37 (hg19) VCF-style: chr3-138665555-TG-T.
Other names: short protein forms S4fs.
Identifiers: ClinVar variation 3382461 (VCV003382461.2).

ClinVar aggregate classification (germline): Likely pathogenic (1 of 4 stars; one submission).

Conditions:
Blepharophimosis, ptosis, and epicanthus inversus syndrome. Identifiers: Orphanet 126, MedGen C0220663, MONDO:0007201, OMIM 110100.
Premature ovarian failure 3 (POF3). Identifiers: MedGen C1837008, MONDO:0012169, OMIM 608996.

Submission:

Juno Genomics, Hangzhou Juno Genomics, Inc
Classification: Likely pathogenic for Blepharophimosis, ptosis, and epicanthus inversus syndrome; Premature ovarian failure 3. Review status: criteria provided, single submitter. Criteria: ACMG Guidelines, 2015. Collection method: clinical testing. Allele origin: germline. Affected: yes.
Comment: Null variant in a gene where loss of function (LOF) is a known mechanism of disease.;Absent from controls (or at extremely low frequency if recessive) in Genome Aggregation Database, Exome Sequencing Project, 1000 Genomes Project, or Exome Aggregation Consortium.;Patient's phenotype or family history is highly specific for a disease with a single genetic etiology.